The following is an entry in ClinVar:

ClinVar aggregate classification (germline): Benign. Review status: criteria provided, multiple submitters, no conflicts (2 of 4 stars). 4 submissions from 4 submitters: Benign (3). 1 of the submissions does not count toward it. Last evaluated 2026-02-01.

Conditions:
Pancytopenia-developmental delay syndrome. Also called: Bone marrow failure syndrome 2. Identifiers: Orphanet 401764, MedGen C3810350, MONDO:0014317, OMIM 615715.
ERCC6L2-related disorder. Also called: ERCC6L2-related condition.

Allele frequency attached by ClinVar (database versions not stated): gnomAD exomes 0.00394 and 0.00861; ExAC 0.01705; 1000 Genomes Project 0.02696; 1000 Genomes Project 30x 0.02873.

Submissions (4):

Labcorp Genetics (formerly Invitae), Labcorp
Classification: Benign. Last evaluated: 2026-02-01. Review status: criteria provided, single submitter. Criteria: Invitae Variant Classification Sherloc (09022015). Collection method: clinical testing. Allele origin: germline.

ARUP Laboratories, Molecular Genetics and Genomics, ARUP Laboratories
Classification: Benign for Pancytopenia-developmental delay syndrome. Last evaluated: 2024-10-10. Review status: criteria provided, single submitter. Criteria: ARUP Molecular Germline Variant Investigation Process 2024. Collection method: clinical testing. Allele origin: germline.

Breakthrough Genomics
Classification: Benign. Review status: criteria provided, single submitter. Criteria: ACMG Guidelines, 2015. Collection method: not provided. Allele origin: germline. Inheritance: Autosomal recessive inheritance. Affected: yes.

PreventionGenetics, part of Exact Sciences
Classification: Benign for ERCC6L2-related condition. Last evaluated: 2020-01-14. Review status: no assertion criteria provided. Collection method: clinical testing. Allele origin: germline. Not counted in ClinVar's aggregate classification.
Comment: This variant is classified as benign based on ACMG/AMP sequence variant interpretation guidelines (Richards et al. 2015 PMID: 25741868, with internal and published modifications).

NM_020207.7(ERCC6L2):c.3193A>G (p.Ile1065Val)

Gene: ERCC6L2 (ERCC excision repair 6 like 2; plus strand). Cytogenetic location: 9q22.32.
Variant type: single nucleotide variant.
Coding change: c.3193A>G on transcript NM_020207.7 (MANE Select); coding-DNA position 3193, A replaced by G.
Protein change: p.Ile1065Val; replaces isoleucine 1065 with valine.
Molecular consequence: missense variant. On other transcripts: non-coding transcript variant (1).
Genome position (GRCh38, 1-based): chr9:95,972,944, A>G. VCF-style: chr9-95972944-A-G. GRCh37 (hg19) VCF-style: chr9-98735226-A-G.
Other names: c.3226A>G (NM_020207.4); c.3193A>G, p.Ile1065Val (NM_001375291.1, NM_001375292.1, NM_001375293.1 and 1 more transcripts); short protein forms I1065V.
Identifiers: ClinVar variation 1168767 (VCV001168767.13), dbSNP rs113902031, ClinGen allele CA5139863.